The following is an entry in ClinVar:

NM_031407.7(HUWE1):c.11356C>T (p.Arg3786Trp)

Gene: HUWE1 (HECT, UBA and WWE domain containing E3 ubiquitin protein ligase 1; minus strand). Cytogenetic location: Xp11.22.
Variant type: single nucleotide variant.
Coding change: c.11356C>T on transcript NM_031407.7 (MANE Select); coding-DNA position 11356, C replaced by T.
Protein change: p.Arg3786Trp; replaces arginine 3786 with tryptophan.
Molecular consequence: missense variant.
Genome position (GRCh38, 1-based): chrX:53,543,864, G>A on the plus strand (C>T on the coding strand, the complement: HUWE1 is on the minus strand). VCF-style: chrX-53543864-G-A. GRCh37 (hg19) VCF-style: chrX-53570825-G-A.
Other names: short protein forms R3786W.
Identifiers: ClinVar variation 810625 (VCV000810625.42), dbSNP rs781924853, ClinGen allele CA10421401.
Genomic context (GRCh38, chrX:53,543,864, plus strand): 5'-AGACAAATGAATGAGGGGCCACAGGCATCATGCTAACCGTTGCTGCTTGTTGCTGTCTCC[G>A]CGCCCTTTGACCCTCACGTACCATTTGTATAATGGCATCAGCCTCAGCCTCCAGCTGCCG-3'
Protein context (NP_113584.3, residues 3776-3796): IQMVREGQRA[Arg3786Trp]RQQQAATSES

ClinVar aggregate classification (germline): Likely benign (1 of 4 stars; one submission).

Allele frequency attached by ClinVar (database versions not stated): ExAC 0.00001; gnomAD exomes 0.00001.
gnomAD v4.1: 7 of 1,210,926 alleles (0.00058%); highest among the groups gnomAD compares: Middle Eastern, 0.046%; no homozygotes.

Submission:

CeGaT Center for Human Genetics Tuebingen
Classification: Likely benign. Last evaluated: 2025-12-01. Review status: criteria provided, single submitter. Criteria: CeGaT Center For Human Genetics Tuebingen Variant Classification Criteria Version 2. Collection method: clinical testing. Allele origin: germline. Affected: yes. Observed: 2 variant alleles.
Comment: HUWE1: PP2, BS2